The following is an entry in ClinVar:

NM_033380.3(COL4A5):c.450G>A (p.Gly150=)

Gene: COL4A5 (collagen type IV alpha 5 chain; plus strand). Cytogenetic location: Xq22.3.
Variant type: single nucleotide variant.
Coding change: c.450G>A on transcript NM_033380.3 (MANE Select); coding-DNA position 450, G replaced by A.
Protein change: p.Gly150=; no amino-acid change (glycine 150 retained).
Molecular consequence: synonymous variant.
Genome position (GRCh38, 1-based): chrX:108,571,822, G>A. VCF-style: chrX-108571822-G-A. GRCh37 (hg19) VCF-style: chrX-107815052-G-A.
Other names: c.450G>A, p.Gly150= (NM_000495.5).
Identifiers: ClinVar variation 4996445 (VCV004996445.1).

ClinVar aggregate classification (germline): Likely benign (1 of 4 stars; one submission).

Conditions:
COL4A5-related disorder. Also called: COL4A5-related condition.

Submission:

PreventionGenetics, part of Exact Sciences
Classification: Likely benign for COL4A5-related condition. Last evaluated: 2025-12-06. Review status: criteria provided, single submitter. Criteria: ACMG Guidelines, 2015. Collection method: clinical testing. Allele origin: germline.
Comment: This variant is classified as likely benign based on ACMG/AMP sequence variant interpretation guidelines (Richards et al. 2015 PMID: 25741868, with internal and published modifications).